The following is an entry in ClinVar:

ClinVar aggregate classification (germline): Likely pathogenic (1 of 4 stars; one submission).

Conditions:
Autosomal recessive early-onset Parkinson disease 6 (PARK6). Also called: PARKINSON DISEASE 6, MODIFIER OF; PINK1 Type of Young-Onset Parkinson Disease; PINK1-Related Parkinson Disease; PARKINSON DISEASE 6, EARLY-ONSET. Identifiers: Orphanet 2828, MedGen C1853833, MONDO:0011613, OMIM 605909.

Submission:

Labcorp Genetics (formerly Invitae), Labcorp
Classification: Likely pathogenic for Autosomal recessive early-onset Parkinson disease 6. Last evaluated: 2022-03-25. Review status: criteria provided, single submitter. Criteria: Invitae Variant Classification Sherloc (09022015). Collection method: clinical testing. Allele origin: germline.
Comment: In summary, the currently available evidence indicates that the variant is pathogenic, but additional data are needed to prove that conclusively. Therefore, this variant has been classified as Likely Pathogenic. This variant disrupts the C-terminus of the PINK1 protein. Other variant(s) that disrupt this region (p.Lys520Argfs*3, p.Asn521Thrfs*40) have been observed in individuals with PINK1-related conditions (PMID: 16401616, 29655942, 32446772). This suggests that this may be a clinically significant region of the protein. This variant has not been reported in the literature in individuals affected with PINK1-related conditions. This variant is not present in population databases (gnomAD no frequency). This sequence change creates a premature translational stop signal (p.Leu511Lysfs*5) in the PINK1 gene. While this is not anticipated to result in nonsense mediated decay, it is expected to disrupt the last 71 amino acid(s) of the PINK1 protein.

Literature cited by the submitters: PubMed 16401616; PubMed 29655942; PubMed 32446772.

NM_032409.3(PINK1):c.1527_1530dup (p.Leu511fs)

Genes: PINK1 (PTEN induced kinase 1; plus strand), PINK1-AS (PINK1 antisense RNA; minus strand). Cytogenetic location: 1p36.12.
Variant type: Duplication.
Coding change: c.1527_1530dup on transcript NM_032409.3 (MANE Select); coding-DNA positions 1527 to 1530, 4 bases duplicated (AAGC; older notation c.1527_1530dupAAGC).
Protein change: p.Leu511fs; shifts the reading frame from leucine 511.
Molecular consequence: frameshift variant. On other transcripts: non-coding transcript variant (1).
Genome position (GRCh38, 1-based): chr1:20,650,472-20,650,475, AAGC duplicated. VCF-style (leftmost placement, unchanged base first): chr1-20650471-T-TAAGC. GRCh37 (hg19) VCF-style: chr1-20976964-T-TAAGC.
Other names: short protein forms L511fs.
Identifiers: ClinVar variation 2116760 (VCV002116760.4), dbSNP rs2545267790, ClinGen allele CA2580061439.
Genomic context (GRCh38, chr1:20,650,471, plus strand): 5'-TACAGCTTCCCTTCCTGTTGCAGAGACCATCTGCCCGAGTAGCCGCAAATGTGCTTCATC[T>TAAGC]AAGCCTCTGGGGTGAACATATTCTAGCCCTGAAGAATCTGAAGTTAGACAAGATGGTTGG-3'